The following is an entry in ClinVar:

NM_031935.3(HMCN1):c.13196T>G (p.Leu4399Arg)

Gene: HMCN1 (hemicentin 1; plus strand). Cytogenetic location: 1q31.1.
Variant type: single nucleotide variant.
Coding change: c.13196T>G on transcript NM_031935.3 (MANE Select); coding-DNA position 13196, T replaced by G.
Protein change: p.Leu4399Arg; replaces leucine 4399 with arginine.
Molecular consequence: missense variant.
Genome position (GRCh38, 1-based): chr1:186,130,663, T>G. VCF-style: chr1-186130663-T-G. GRCh37 (hg19) VCF-style: chr1-186099795-T-G.
Other names: short protein forms L4399R.
Identifiers: ClinVar variation 3669170 (VCV003669170.2).

ClinVar aggregate classification (germline): Uncertain significance (1 of 4 stars; one submission).

Submission:

Labcorp Genetics (formerly Invitae), Labcorp
Classification: Uncertain significance. Last evaluated: 2025-04-17. Review status: criteria provided, single submitter. Criteria: Invitae Variant Classification Sherloc (09022015). Collection method: clinical testing. Allele origin: germline.
Comment: This sequence change replaces leucine, which is neutral and non-polar, with arginine, which is basic and polar, at codon 4399 of the HMCN1 protein (p.Leu4399Arg). This variant is not present in population databases (gnomAD no frequency). This variant has not been reported in the literature in individuals affected with HMCN1-related conditions. ClinVar contains an entry for this variant (Variation ID: 3669170). An algorithm developed to predict the effect of missense changes on protein structure and function (PolyPhen-2) suggests that this variant is likely to be disruptive. In summary, the available evidence is currently insufficient to determine the role of this variant in disease. Therefore, it has been classified as a Variant of Uncertain Significance.